The following is an entry in ClinVar:

ClinVar aggregate classification (germline): Pathogenic. Review status: criteria provided, multiple submitters, no conflicts (2 of 4 stars). 2 submissions from 2 submitters: Pathogenic (2). Last evaluated 2015-06-24.

Conditions:
Severe myoclonic epilepsy in infancy (DRVT). Also called: Epileptic encephalopathy, early infantile, 6 (Dravet syndrome); SEVERE MYOCLONIC EPILEPSY OF INFANCY; DEVELOPMENTAL AND EPILEPTIC ENCEPHALOPATHY 6A; Severe Myoclonic Epilepsy in Infancy (SMEI); Dravet syndrome. Identifiers: Orphanet 33069, MedGen C0751122, MONDO:0100135, OMIM 607208.

Submissions (2):

GeneDx
Classification: Pathogenic. Last evaluated: 2015-06-24. Review status: criteria provided, single submitter. Criteria: GeneDx Variant Classification (06012015). Collection method: clinical testing. Allele origin: germline. Affected: yes.
Comment: The K225N missense variant in the SCN1A gene has been reported previously in association with Dravetsyndrome (Xu et al., 2013). This substitution alters a highly conserved position predicted to be within thetransmembrane segment S4 of the first homologous domain of the SCN1A protein, and many other missensevariants have been reported in this region of the protein in association with SCN1A-related disorders(SCN1A Variant Database). The K225N variant is a semi-conservative amino acid substitution, which mayimpact secondary protein structure as these residues differ in some properties, and in silico analysis predictsthis variant is probably damaging to the protein structure/function. Therefore, we interpret this variant as pathogenic.

Center for Bioinformatics, Peking University
Classification: Pathogenic for Dravet syndrome. Last evaluated: 2014-12-20. Review status: criteria provided, single submitter. Criteria: Xu et al. (Hum Mutat. 2015). Collection method: research. Allele origin: de novo. Affected: yes. Observed: 1 variant allele. Study: University Clinical Cooperation “985 Project” PKU-2014-1-1.
Comment: Dravet syndrome (DS) probands were recruited from the outpatient and inpatient child neurology units of Peking University First Hospital from 2005 till present. The study was approved by the Ethics Committee of Peking University First Hospital and the Institutional Review Board at Peking University. Participants or their parents provided written informed consent before enrollment. We collected a total of 267 mutations from 255 families with probands diagnosed with DS in China. All probands fulfilled the clinical diagnostic criteria.

NM_001165963.4(SCN1A):c.675G>C (p.Lys225Asn)

Gene: SCN1A (sodium voltage-gated channel alpha subunit 1; minus strand). Cytogenetic location: 2q24.3.
Variant type: single nucleotide variant.
Coding change: c.675G>C on transcript NM_001165963.4 (MANE Select); coding-DNA position 675, G replaced by C.
Protein change: p.Lys225Asn; replaces lysine 225 with asparagine.
Molecular consequence: missense variant. On other transcripts: 5 prime UTR variant (1), non-coding transcript variant (1).
Genome position (GRCh38, 1-based): chr2:166,052,871, C>G on the plus strand (G>C on the coding strand, the complement: SCN1A is on the minus strand). VCF-style: chr2-166052871-C-G. GRCh37 (hg19) VCF-style: chr2-166909381-C-G.
Other names: c.675G>C, p.Lys225Asn (NM_001165964.3, NM_001202435.3, NM_001353948.2 and 10 more transcripts); c.-1751G>C (NM_001353961.2); short protein forms K225N.
Identifiers: ClinVar variation 189871 (VCV000189871.2), dbSNP rs794726719, ClinGen allele CA303162.
Genomic context (GRCh38, chr2:166,052,871, plus strand): 5'-TCACATGATGGGTCCGTCTCATTATCTAACCTTGCTCTCACCTGGAATGACTGAAATCGT[C>G]TTCAATGCTCGGAGAACTCTGAATGTTCTCAATGCCGAGACATTGCCCAGGTCCACAAAC-3'
Protein context (NP_001159435.1, residues 215-235): LRTFRVLRAL[Lys225Asn]TISVIPGLKT